The following is an entry in ClinVar:

NM_000186.4(CFH):c.966G>A (p.Leu322=)

Gene: CFH (complement factor H; plus strand). Cytogenetic location: 1q31.3.
Variant type: single nucleotide variant.
Coding change: c.966G>A on transcript NM_000186.4 (MANE Select); coding-DNA position 966, G replaced by A.
Protein change: p.Leu322=; no amino-acid change (leucine 322 retained).
Molecular consequence: synonymous variant.
Genome position (GRCh38, 1-based): chr1:196,689,421, G>A. VCF-style: chr1-196689421-G-A. GRCh37 (hg19) VCF-style: chr1-196658551-G-A.
Other names: c.966G>A, p.Leu322= (NM_001014975.3).
Identifiers: ClinVar variation 2750262 (VCV002750262.3), dbSNP rs2529385910, ClinGen allele CA422662134.

ClinVar aggregate classification (germline): Uncertain significance (1 of 4 stars; one submission).

Submission:

Labcorp Genetics (formerly Invitae), Labcorp
Classification: Uncertain significance. Last evaluated: 2026-01-07. Review status: criteria provided, single submitter. Criteria: Invitae Variant Classification Sherloc (09022015). Collection method: clinical testing. Allele origin: germline.
Comment: This sequence change affects codon 322 of the CFH mRNA. It is a 'silent' change, meaning that it does not change the encoded amino acid sequence of the CFH protein. This variant is not present in population databases (gnomAD no frequency). This variant has not been reported in the literature in individuals affected with CFH-related conditions. ClinVar contains an entry for this variant (Variation ID: 2750262). Algorithms developed to predict the effect of sequence changes on RNA splicing suggest that this variant may disrupt the consensus splice site. In summary, the available evidence is currently insufficient to determine the role of this variant in disease. Therefore, it has been classified as a Variant of Uncertain Significance.